The following is an entry in ClinVar:

ClinVar aggregate classification (germline): Uncertain significance (1 of 4 stars; one submission).

Conditions:
Tuberous sclerosis 1 (TSC1). Identifiers: Orphanet 805, MedGen C1854465, MONDO:0008612, OMIM 191100.

Submission:

Labcorp Genetics (formerly Invitae), Labcorp
Classification: Uncertain significance for Tuberous sclerosis 1. Last evaluated: 2024-08-04. Review status: criteria provided, single submitter. Criteria: Invitae Variant Classification Sherloc (09022015). Collection method: clinical testing. Allele origin: germline.
Comment: This sequence change creates a premature translational stop signal (p.Thr1159Aspfs*4) in the TSC1 gene. While this is not anticipated to result in nonsense mediated decay, it is expected to disrupt the last 6 amino acid(s) of the TSC1 protein. This variant is not present in population databases (gnomAD no frequency). This variant has not been reported in the literature in individuals affected with TSC1-related conditions. In summary, the available evidence is currently insufficient to determine the role of this variant in disease. Therefore, it has been classified as a Variant of Uncertain Significance.

NM_000368.5(TSC1):c.3473dup (p.Thr1159fs)

Gene: TSC1 (TSC complex subunit 1; minus strand). Cytogenetic location: 9q34.13.
Variant type: Duplication.
Coding change: c.3473dup on transcript NM_000368.5 (MANE Select); coding-DNA position 3473, one base duplicated (A; older notation c.3473dupA).
Protein change: p.Thr1159fs; shifts the reading frame from threonine 1159.
Molecular consequence: frameshift variant. On other transcripts: non-coding transcript variant (5).
Genome position (GRCh38, 1-based): chr9:132,896,257, T duplicated on the plus strand (A on the coding strand, the reverse complement: TSC1 is on the minus strand). VCF-style (leftmost placement, unchanged base first): chr9-132896256-C-CT. GRCh37 (hg19) VCF-style: chr9-135771643-C-CT.
Other names: c.3470dup, p.Thr1158fs (NM_001162426.2, NM_001406597.1, NM_001406598.1 and 2 more transcripts); c.3320dup, p.Thr1108fs (NM_001162427.2, NM_001406610.1); c.3110dup, p.Thr1038fs (NM_001362177.2, NM_001406614.1, NM_001406615.1 and 4 more transcripts); c.3473dup, p.Thr1159fs (NM_001406592.1, NM_001406593.1, NM_001406594.1 and 2 more transcripts); c.3428dup, p.Thr1144fs (NM_001406608.1, NM_001406609.1); c.3317dup, p.Thr1107fs (NM_001406611.1, NM_001406612.1); c.3275dup, p.Thr1093fs (NM_001406613.1); c.2522dup, p.Thr842fs (NM_001406626.1); and 8 more; short protein forms T1037fs, T1107fs, T1023fs, T1024fs, T1038fs, T1093fs, T1108fs, T1144fs.
Identifiers: ClinVar variation 3658404 (VCV003658404.2).
Genomic context (GRCh38, chr9:132,896,256, plus strand): 5'-CCAACAATATGCAAGTTAACACTGATTGACCATCATTCCTTAGCTGTGTTCATGATGAGT[C>CT]TCATTGTAGTCCATGATATGTAGCTGTCCAACACTGTCCGGGGTCGGGGGAGACGGGTGA-3'